The following is an entry in ClinVar:

NM_001355436.2(SPTB):c.1618dup (p.Ser540fs)

Gene: SPTB (spectrin beta, erythrocytic; minus strand). Cytogenetic location: 14q23.3.
Variant type: Duplication.
Coding change: c.1618dup on transcript NM_001355436.2 (MANE Select); coding-DNA position 1618, one base duplicated (A; older notation c.1618dupA).
Protein change: p.Ser540fs; shifts the reading frame from serine 540.
Molecular consequence: frameshift variant.
Genome position (GRCh38, 1-based): chr14:64,795,363, T duplicated on the plus strand (A on the coding strand, the reverse complement: SPTB is on the minus strand). VCF-style (leftmost placement, unchanged base first): chr14-64795362-C-CT. GRCh37 (hg19) VCF-style: chr14-65262080-C-CT.
Other names: c.1618dup, p.Ser540fs (NM_001024858.4, NM_001355437.2); short protein forms S540fs.
Identifiers: ClinVar variation 3251247 (VCV003251247.2), dbSNP rs2503173177.
Genomic context (GRCh38, chr14:64,795,362, plus strand): 5'-TGCAGGGCATGGCGGGGGCGGCCCCCAGGGCCCACCTTGATCTCATCCATCCAGTCGATG[C>CT]TGTGCAGCATGTCCTGGAAGAGCTTCTGCAGTGCCAGGGTGGTCTCGAGCCTCTGGCGCC-3'

ClinVar aggregate classification (germline): Likely pathogenic (1 of 4 stars; one submission).

Conditions:
Hereditary spherocytosis type 2. Also called: SPHEROCYTOSIS, TYPE 2, AUTOSOMAL DOMINANT. Identifiers: Orphanet 822, MedGen C2674219, MONDO:0000913, OMIM 616649.

Submission:

MVZ Dr. Eberhard & Partner Dortmund
Classification: Likely pathogenic for Hereditary spherocytosis type 2. Last evaluated: 2024-06-11. Review status: criteria provided, single submitter. Criteria: ACMG Guidelines, 2015. Collection method: clinical testing. Allele origin: unknown. Inheritance: Autosomal dominant inheritance.
Comment: The nonsense variant c.1618dup for p.(Ser540Lysfs*7) leads to a premature STOP codon. Due to the nonsense variant and the possibility of nonsense mediated decay, a null variant with loss of function is created in a gene where loss of function is a common mechanism of disease. This variant is absent from controls in the Genome Aggregation Database. This variant is considered be likely pathogenic according to the ACMG guidelines.